The following is an entry in ClinVar:

ClinVar aggregate classification (germline): Benign/Likely benign. Review status: criteria provided, multiple submitters, no conflicts (2 of 4 stars). 22 submissions from 15 submitters: Benign (18); Likely benign (2). 2 of the submissions do not count toward it. Last evaluated 2026-09-21.

Conditions:
Early-onset myopathy with fatal cardiomyopathy (CMYO5). Also called: Salih Myopathy; CONGENITAL MYOPATHY 5 WITH CARDIOMYOPATHY. Identifiers: Orphanet 289377, MedGen C2673677, MONDO:0012714, OMIM 611705. Disease mechanism: loss of function.
Cardiovascular phenotype. Identifiers: MedGen CN230736.
Dilated cardiomyopathy 1G (CMD1G). Identifiers: Orphanet 154, MedGen C1858763, MONDO:0011400, OMIM 604145.
Autosomal recessive limb-girdle muscular dystrophy type 2J (LGMDR10). Also called: Limb-girdle muscular dystrophy, type 2J; MUSCULAR DYSTROPHY, LIMB-GIRDLE, AUTOSOMAL RECESSIVE 10. Identifiers: Orphanet 140922, MedGen C1837342, MONDO:0012127, OMIM 608807.
Myopathy, myofibrillar, 9, with early respiratory failure (MFM9). Also called: Hereditary myopathy with early respiratory failure; MYOPATHY, PROXIMAL, WITH EARLY RESPIRATORY MUSCLE INVOLVEMENT; Myopathy, distal, with early respiratory failure, autosomal dominant; EDSTROM MYOPATHY. Identifiers: Orphanet 178464, Orphanet 34521, MedGen C1863599, MONDO:0011362, OMIM 603689.
Tibial muscular dystrophy (TMD). Also called: UDD MYOPATHY; Tibial muscular dystrophy, tardive; Udd Distal Myopathy – Tibial Muscular Dystrophy. Identifiers: Orphanet 609, MedGen C1838244, MONDO:0010870, OMIM 600334.

Allele frequency attached by ClinVar (database versions not stated): ESP Exome Variant Server 0.03298; TOPMed 0.05802; gnomAD 0.04981 and 0.04792; 1000 Genomes Project 30x 0.07511; 1000 Genomes Project 0.07528.
gnomAD v4.1: 84,543 of 1,613,960 alleles (5.2%); highest among the groups gnomAD compares: Admixed American, 20%; 3,764 homozygotes.

Submissions (22):

Molecular Diagnostic Laboratory for Inherited Cardiovascular Disease, Montreal Heart Institute
Classification: Benign. Last evaluated: 2026-09-21. Review status: criteria provided, single submitter. Criteria: ACMG Guidelines, 2015. Collection method: clinical testing. Allele origin: germline. Affected: no.

Labcorp Genetics (formerly Invitae), Labcorp
Classification: Benign for Dilated cardiomyopathy 1G; Autosomal recessive limb-girdle muscular dystrophy type 2J. Last evaluated: 2026-02-04. Review status: criteria provided, single submitter. Criteria: Invitae Variant Classification Sherloc (09022015). Collection method: clinical testing. Allele origin: germline.

Genome-Nilou Lab
Classification: Benign for Autosomal recessive limb-girdle muscular dystrophy type 2J. Last evaluated: 2021-09-10. Review status: criteria provided, single submitter. Criteria: ACMG Guidelines, 2015. Collection method: clinical testing. Allele origin: germline. Affected: no.

Genome-Nilou Lab
Classification: Benign for Myopathy, myofibrillar, 9, with early respiratory failure. Last evaluated: 2021-09-10. Review status: criteria provided, single submitter. Criteria: ACMG Guidelines, 2015. Collection method: clinical testing. Allele origin: germline. Affected: no.

Genome-Nilou Lab
Classification: Benign for Early-onset myopathy with fatal cardiomyopathy. Last evaluated: 2021-09-10. Review status: criteria provided, single submitter. Criteria: ACMG Guidelines, 2015. Collection method: clinical testing. Allele origin: germline. Affected: no.

Genome-Nilou Lab
Classification: Benign for Tibial muscular dystrophy. Last evaluated: 2021-09-10. Review status: criteria provided, single submitter. Criteria: ACMG Guidelines, 2015. Collection method: clinical testing. Allele origin: germline. Affected: no.

Women's Health and Genetics/Laboratory Corporation of America, LabCorp
Classification: Likely benign. Last evaluated: 2020-09-07. Review status: criteria provided, single submitter. Criteria: LabCorp Variant Classification Summary - May 2015. Collection method: clinical testing. Allele origin: germline.

Illumina Laboratory Services, Illumina
Classification: Benign for Myopathy, myofibrillar, 9, with early respiratory failure. Last evaluated: 2018-01-13. Review status: criteria provided, single submitter. Criteria: ICSL Variant Classification Criteria 13 December 2019. Collection method: clinical testing. Allele origin: germline.
Comment: This variant was observed in the ICSL laboratory as part of a predisposition screen in an ostensibly healthy population. It had not been previously curated by ICSL or reported in the Human Gene Mutation Database (HGMD: prior to June 1st, 2018), and was therefore a candidate for classification through an automated scoring system. Utilizing variant allele frequency, disease prevalence and penetrance estimates, and inheritance mode, an automated score was calculated to assess if this variant is too frequent to cause the disease. Based on the score and internal cut-off values, a variant classified as benign is not then subjected to further curation. The score for this variant resulted in a classification of benign for this disease.

Illumina Laboratory Services, Illumina
Classification: Benign for Tibial muscular dystrophy. Last evaluated: 2018-01-13. Review status: criteria provided, single submitter. Criteria: ICSL Variant Classification Criteria 13 December 2019. Collection method: clinical testing. Allele origin: germline.
Comment: the same text as in the submission from Illumina Laboratory Services, Illumina above.

Illumina Laboratory Services, Illumina
Classification: Benign for Dilated cardiomyopathy 1G. Last evaluated: 2018-01-13. Review status: criteria provided, single submitter. Criteria: ICSL Variant Classification Criteria 13 December 2019. Collection method: clinical testing. Allele origin: germline.
Comment: the same text as in the submission from Illumina Laboratory Services, Illumina above.

Illumina Laboratory Services, Illumina
Classification: Benign for Early-onset myopathy with fatal cardiomyopathy. Last evaluated: 2018-01-13. Review status: criteria provided, single submitter. Criteria: ICSL Variant Classification Criteria 13 December 2019. Collection method: clinical testing. Allele origin: germline.
Comment: the same text as in the submission from Illumina Laboratory Services, Illumina above.

Illumina Laboratory Services, Illumina
Classification: Benign for Autosomal recessive limb-girdle muscular dystrophy type 2J. Last evaluated: 2018-01-13. Review status: criteria provided, single submitter. Criteria: ICSL Variant Classification Criteria 13 December 2019. Collection method: clinical testing. Allele origin: germline.
Comment: the same text as in the submission from Illumina Laboratory Services, Illumina above.

Mayo Clinic Laboratories, Mayo Clinic
Classification: Benign. Last evaluated: 2017-07-25. Review status: criteria provided, single submitter. Criteria: ACMG Guidelines, 2015. Collection method: clinical testing. Allele origin: germline. Observed: 268 variant alleles.

Genetic Services Laboratory, University of Chicago
Classification: Benign for AllHighlyPenetrant. Last evaluated: 2013-08-15. Review status: criteria provided, single submitter. Criteria: ACMG Guidelines, 2007. Collection method: clinical testing. Allele origin: germline.

Biesecker Lab/Clinical Genomics Section, National Institutes of Health
Classification: Benign. Last evaluated: 2013-06-24. Review status: criteria provided, single submitter. Criteria: Ng et al. (Circ Cardiovasc Genet. 2013). Collection method: research. Allele origin: unknown. Observed: 88 variant alleles. Study: ClinSeq.
Comment: The study set was not selected for affection status in relation to any cancer. Pathogenicity categories were based on literature curation. See Pubmed ID:23861362 for details.

Medical sequencing

GeneDx
Classification: Benign. Last evaluated: 2012-10-19. Review status: criteria provided, single submitter. Criteria: GeneDx Variant Classification (06012015). Collection method: clinical testing. Allele origin: germline. Affected: yes.
Comment: This variant is considered likely benign or benign based on one or more of the following criteria: it is a conservative change, it occurs at a poorly conserved position in the protein, it is predicted to be benign by multiple in silico algorithms, and/or has population frequency not consistent with disease.

Ambry Genetics
Classification: Benign for Cardiovascular phenotype. Last evaluated: 2012-08-23. Review status: criteria provided, single submitter. Criteria: Ambry Autosomal Dominant and X-Linked criteria (10/2015). Collection method: clinical testing. Allele origin: germline. Observed: 1 variant allele.

Laboratory for Molecular Medicine, Mass General Brigham Personalized Medicine
Classification: Benign. Last evaluated: 2012-04-24. Review status: criteria provided, single submitter. Criteria: LMM Criteria. Collection method: clinical testing. Allele origin: germline. Observed: 160 variant alleles.

Breakthrough Genomics
Classification: Likely benign. Review status: criteria provided, single submitter. Criteria: ACMG Guidelines, 2015. Collection method: not provided. Allele origin: germline. Inheritance: Autosomal recessive inheritance. Affected: yes.

PreventionGenetics, part of Exact Sciences
Classification: Benign. Review status: criteria provided, single submitter. Criteria: ACMG Guidelines, 2015. Collection method: clinical testing. Allele origin: germline.

Clinical Genetics DNA and cytogenetics Diagnostics Lab, Erasmus MC, Erasmus Medical Center
Classification: Benign. Review status: no assertion criteria provided. Collection method: clinical testing. Allele origin: germline. Affected: yes. Study: VKGL Data-share Consensus. Not counted in ClinVar's aggregate classification.

Clinical Genetics, Academic Medical Center
Classification: Benign. Review status: no assertion criteria provided. Collection method: clinical testing. Allele origin: germline. Affected: yes. Study: VKGL Data-share Consensus. Not counted in ClinVar's aggregate classification.

NM_001267550.2(TTN):c.4715G>A (p.Arg1572Gln)

Genes: TTN (titin; minus strand), LOC101927055 (uncharacterized LOC101927055; plus strand). Cytogenetic location: 2q31.2.
Variant type: single nucleotide variant.
Coding change: c.4715G>A on transcript NM_001267550.2 (MANE Select); coding-DNA position 4715, G replaced by A.
Protein change: p.Arg1572Gln; replaces arginine 1572 with glutamine.
Molecular consequence: missense variant. On other transcripts: non-coding transcript variant (1).
Genome position (GRCh38, 1-based): chr2:178,777,248, C>T on the plus strand (G>A on the coding strand, the complement: TTN is on the minus strand). VCF-style: chr2-178777248-C-T. GRCh37 (hg19) VCF-style: chr2-179641975-C-T.
Other names: p.R1572Q:CGA>CAA; c.4715G>A, p.Arg1572Gln (NM_001256850.1, NM_133378.4, NM_133379.5); c.4577G>A, p.Arg1526Gln (NM_003319.4, NM_133432.3, NM_133437.4); short protein forms R1572Q, R1526Q.
Identifiers: ClinVar variation 47098 (VCV000047098.34), dbSNP rs12476289, ClinGen allele CA283441.